The following is an entry in ClinVar:

ClinVar aggregate classification (germline): Uncertain significance. Review status: criteria provided, multiple submitters, no conflicts (2 of 4 stars). 2 submissions from 2 submitters: Uncertain significance (2). Last evaluated 2025-06-01.

Conditions:
Familial cancer of breast. Also called: hereditary breast carcinoma; Hereditary breast cancer; BREAST CANCER, FAMILIAL. Identifiers: Orphanet 227535, MedGen C0346153, MONDO:0016419, OMIM 114480. Disease mechanism: loss of function.
Hereditary cancer-predisposing syndrome. Also called: Tumor predisposition; Hereditary neoplastic syndrome; Neoplastic Syndromes, Hereditary; Hereditary Cancer Syndrome. Identifiers: Orphanet 140162, MedGen C0027672, MeSH D009386, MONDO:0015356.

Allele frequency attached by ClinVar (database versions not stated): gnomAD exomes below 0.00001; ExAC 0.00001.
gnomAD v4.1: 2 of 1,614,102 alleles (0.00012%); highest among the groups gnomAD compares: East Asian, 0.0022%; no homozygotes.

Submissions (2):

Ambry Genetics
Classification: Uncertain significance for Hereditary cancer-predisposing syndrome. Last evaluated: 2025-06-01. Review status: criteria provided, single submitter. Criteria: Ambry Variant Classification Scheme 2023. Collection method: clinical testing. Allele origin: germline.
Comment: The p.T490A variant (also known as c.1468A>G), located in coding exon 6 of the BARD1 gene, results from an A to G substitution at nucleotide position 1468. The threonine at codon 490 is replaced by alanine, an amino acid with similar properties. This amino acid position is not well conserved in available vertebrate species. In addition, this alteration is predicted to be tolerated by in silico analysis. Since supporting evidence is limited at this time, the clinical significance of this alteration remains unclear.

Labcorp Genetics (formerly Invitae), Labcorp
Classification: Uncertain significance for Familial cancer of breast. Last evaluated: 2024-09-29. Review status: criteria provided, single submitter. Criteria: Invitae Variant Classification Sherloc (09022015). Collection method: clinical testing. Allele origin: germline.
Comment: This sequence change replaces threonine, which is neutral and polar, with alanine, which is neutral and non-polar, at codon 490 of the BARD1 protein (p.Thr490Ala). This variant is present in population databases (rs780964209, gnomAD 0.0009%). This variant has not been reported in the literature in individuals affected with BARD1-related conditions. ClinVar contains an entry for this variant (Variation ID: 819292). An algorithm developed to predict the effect of missense changes on protein structure and function (PolyPhen-2) suggests that this variant is likely to be tolerated. In summary, the available evidence is currently insufficient to determine the role of this variant in disease. Therefore, it has been classified as a Variant of Uncertain Significance.

NM_000465.4(BARD1):c.1468A>G (p.Thr490Ala)

Gene: BARD1 (BRCA1 associated RING domain 1; minus strand). Cytogenetic location: 2q35.
Variant type: single nucleotide variant.
Coding change: c.1468A>G on transcript NM_000465.4 (MANE Select); coding-DNA position 1468, A replaced by G.
Protein change: p.Thr490Ala; replaces threonine 490 with alanine.
Molecular consequence: missense variant. On other transcripts: non-coding transcript variant (3), intron variant (3).
Genome position (GRCh38, 1-based): chr2:214,767,582, T>C on the plus strand (A>G on the coding strand, the complement: BARD1 is on the minus strand). VCF-style: chr2-214767582-T-C. GRCh37 (hg19) VCF-style: chr2-215632306-T-C.
Other names: c.1411A>G, p.Thr471Ala (NM_001282543.2); c.159-15027A>G (NM_001282548.2); c.216-15027A>G (NM_001282545.2); c.364+24715A>G (NM_001282549.2); short protein forms T471A, T490A.
Identifiers: ClinVar variation 819292 (VCV000819292.10), dbSNP rs780964209, ClinGen allele CA2090253.